The following is an entry in ClinVar:

NM_012330.4(KAT6B):c.3802G>A (p.Gly1268Arg)

Gene: KAT6B (lysine acetyltransferase 6B; plus strand). Cytogenetic location: 10q22.2.
Variant type: single nucleotide variant.
Coding change: c.3802G>A on transcript NM_012330.4 (MANE Select); coding-DNA position 3802, G replaced by A.
Protein change: p.Gly1268Arg; replaces glycine 1268 with arginine.
Molecular consequence: missense variant.
Genome position (GRCh38, 1-based): chr10:75,028,626, G>A. VCF-style: chr10-75028626-G-A. GRCh37 (hg19) VCF-style: chr10-76788384-G-A.
Other names: c.3253G>A, p.Gly1085Arg (NM_001256468.2, NM_001370138.1); c.2926G>A, p.Gly976Arg (NM_001256469.2, NM_001370139.1, NM_001370140.1 and 2 more transcripts); c.2764G>A, p.Gly922Arg (NM_001370132.1); c.2113G>A, p.Gly705Arg (NM_001370133.1); c.1717G>A, p.Gly573Arg (NM_001370134.1); c.1459G>A, p.Gly487Arg (NM_001370135.1); c.3802G>A, p.Gly1268Arg (NM_001370136.1, NM_001370137.1); c.2737G>A, p.Gly913Arg (NM_001370143.1, NM_001370144.1); short protein forms G1085R, G1268R, G487R, G573R, G705R, G913R, G922R, G976R.
Identifiers: ClinVar variation 2663227 (VCV002663227.3), dbSNP rs199470473, ClinGen allele CA5564909.

ClinVar aggregate classification (germline): Uncertain significance. Review status: criteria provided, multiple submitters, no conflicts (2 of 4 stars). 3 submissions from 3 submitters: Uncertain significance (3). Last evaluated 2025-12-04.

Conditions:
Genitopatellar syndrome (GTPTS). Also called: Genitopatellar syndrome (GPS); ABSENT PATELLAE, SCROTAL HYPOPLASIA, RENAL ANOMALIES, FACIAL DYSMORPHISM, AND MENTAL RETARDATION. Identifiers: Orphanet 85201, MedGen C1853566, MONDO:0011640, OMIM 606170.

Allele frequency attached by ClinVar (database versions not stated): gnomAD exomes below 0.00001; ExAC 0.00001; TOPMed 0.00004; gnomAD 0.00005.
gnomAD v4.1: 16 of 1,614,030 alleles (0.00099%); highest among the groups gnomAD compares: African/African-American, 0.011%; no homozygotes.

Submissions (3):

Labcorp Genetics (formerly Invitae), Labcorp
Classification: Uncertain significance for Genitopatellar syndrome. Last evaluated: 2025-12-04. Review status: criteria provided, single submitter. Criteria: Invitae Variant Classification Sherloc (09022015). Collection method: clinical testing. Allele origin: germline.
Comment: This sequence change replaces glycine, which is neutral and non-polar, with arginine, which is basic and polar, at codon 1268 of the KAT6B protein (p.Gly1268Arg). This variant is present in population databases (rs199470473, gnomAD 0.005%). This missense change has been observed in individual(s) with clinical features of KAT6B-related conditions (PMID: 33004838). ClinVar contains an entry for this variant (Variation ID: 2663227). Invitae Evidence Modeling of protein sequence and biophysical properties (such as structural, functional, and spatial information, amino acid conservation, physicochemical variation, residue mobility, and thermodynamic stability) indicates that this missense variant is not expected to disrupt KAT6B protein function with a negative predictive value of 80%. In summary, the available evidence is currently insufficient to determine the role of this variant in disease. Therefore, it has been classified as a Variant of Uncertain Significance.

Women's Health and Genetics/Laboratory Corporation of America, LabCorp
Classification: Uncertain significance. Last evaluated: 2025-11-19. Review status: criteria provided, single submitter. Criteria: LabCorp Variant Classification Summary - May 2015. Collection method: clinical testing. Allele origin: germline.
Comment: Variant summary: KAT6B c.3802G>A (p.Gly1268Arg) results in a non-conservative amino acid change in the encoded protein sequence. Algorithms developed to predict the effect of missense changes on protein structure and function all suggest that this variant is likely to be disruptive. The variant allele was found at a frequency of 8e-06 in 251456 control chromosomes (gnomAD). The available data on variant occurrences in the general population are insufficient to allow any conclusion about variant significance. c.3802G>A has been observed in one individual affected with neurodevelopmental disorders (Wang_2020). The report does not provide unequivocal conclusions about association of the variant with KAT6B-Related Spectrum Disorders. To our knowledge, no experimental evidence demonstrating an impact on protein function has been reported. The following publication have been ascertained in the context of this evaluation (PMID: 33004838). ClinVar contains an entry for this variant (Variation ID: 2663227). Based on the evidence outlined above, the variant was classified as uncertain significance.

GeneDx
Classification: Uncertain significance. Last evaluated: 2023-05-10. Review status: criteria provided, single submitter. Criteria: GeneDx Variant Classification Process June 2021. Collection method: clinical testing. Allele origin: germline. Affected: yes.
Comment: Observed in patient with neurodevelopmental disorders in published literature; however, no further clinical information was provided (Wang et al., 2020); In silico analysis supports that this missense variant has a deleterious effect on protein structure/function; Missense variant in a gene in which most reported pathogenic variants are truncating/loss of function; This variant is associated with the following publications: (PMID: 33004838)

Literature cited by the submitters: PubMed 33004838 (cited by Labcorp Genetics (formerly Invitae), Labcorp and Women's Health and Genetics/Laboratory Corporation of America, LabCorp).